The following is an entry in ClinVar:

NM_003482.4(KMT2D):c.10441-13TC[2]

Gene: KMT2D (lysine methyltransferase 2D; minus strand). Cytogenetic location: 12q13.12.
Variant type: Microsatellite.
Coding change: c.10441-13TC[2] on transcript NM_003482.4 (MANE Select); two copies in a row of the 2-base unit TC starting at c.10441-13; the reference has three copies in a row; one copy, 2 bases deleted.
Molecular consequence: intron variant.
Genome position (GRCh38, 1-based): chr12:49,034,484-49,034,485, GA deleted on the plus strand (TC on the coding strand, the reverse complement: KMT2D is on the minus strand); deleting any 2 consecutive bases within chr12:49,034,484-49,034,490 gives the same sequence; the position shown is the placement nearest the transcript's 3' end. VCF-style (leftmost placement, unchanged base first): chr12-49034483-TGA-T. GRCh37 (hg19) VCF-style: chr12-49428266-TGA-T.
Other names: c.10441-9_10441-8delTC (NM_003482.3).
Identifiers: ClinVar variation 2731328 (VCV002731328.4), dbSNP rs758824845, ClinGen allele CA6546501.

ClinVar aggregate classification (germline): Likely benign. Review status: criteria provided, multiple submitters, no conflicts (2 of 4 stars). 2 submissions from 2 submitters: Likely benign (2). Last evaluated 2026-07-06.

Conditions:
Kabuki syndrome. Also called: NIIKAWA-KUROKI SYNDROME; Kabuki make-up syndrome. Identifiers: Orphanet 2322, MedGen C0796004, MONDO:0016512.
KMT2D-related disorder. Also called: KMT2D-Related Disorders.

Submissions (2):

PreventionGenetics, part of Exact Sciences
Classification: Likely benign for KMT2D-related condition. Last evaluated: 2026-07-06. Review status: criteria provided, single submitter. Criteria: ACMG Guidelines, 2015. Collection method: clinical testing. Allele origin: germline.
Comment: This variant is classified as likely benign based on ACMG/AMP sequence variant interpretation guidelines (Richards et al. 2015 PMID: 25741868, with internal and published modifications).

Labcorp Genetics (formerly Invitae), Labcorp
Classification: Likely benign for Kabuki syndrome. Last evaluated: 2025-06-10. Review status: criteria provided, single submitter. Criteria: Invitae Variant Classification Sherloc (09022015). Collection method: clinical testing. Allele origin: germline.